The following is an entry in ClinVar:

NM_020975.6(RET):c.1549C>G (p.Leu517Val)

Gene: RET (ret proto-oncogene; plus strand). Cytogenetic location: 10q11.21.
Variant type: single nucleotide variant.
Coding change: c.1549C>G on transcript NM_020975.6 (MANE Select); coding-DNA position 1549, C replaced by G.
Protein change: p.Leu517Val; replaces leucine 517 with valine.
Molecular consequence: missense variant.
Genome position (GRCh38, 1-based): chr10:43,112,125, C>G. VCF-style: chr10-43112125-C-G. GRCh37 (hg19) VCF-style: chr10-43607573-C-G.
Other names: c.1549C>G, p.Leu517Val (NM_000323.2, NM_001406743.1, NM_001406744.1 and 6 more transcripts); c.787C>G, p.Leu263Val (NM_001355216.2); c.1420C>G, p.Leu474Val (NM_001406761.1, NM_001406762.1, NM_001406764.1 and 1 more transcripts); c.1261C>G, p.Leu421Val (NM_001406766.1, NM_001406767.1, NM_001406770.1); c.1153C>G, p.Leu385Val (NM_001406769.1, NM_001406772.1); c.652C>G, p.Leu218Val (NM_001406781.1, NM_001406782.1, NM_001406785.1 and 3 more transcripts); c.523C>G, p.Leu175Val (NM_001406783.1, NM_001406786.1); c.559C>G, p.Leu187Val (NM_001406784.1); and 5 more; short protein forms L517V, L263V, L218V, L175V, L275V, L187V, L385V, L342V.
Identifiers: ClinVar variation 486307 (VCV000486307.18), dbSNP rs764616982, ClinGen allele CA034375.

ClinVar aggregate classification (germline): Conflicting classifications of pathogenicity. Review status: criteria provided, conflicting classifications (1 of 4 stars). 4 submissions from 4 submitters: Uncertain significance (3); Likely benign (1). Last evaluated 2026-07-08.

Conditions:
Multiple endocrine neoplasia, type 2 (MEN2). Identifiers: Orphanet 653, MedGen C4048306, MONDO:0019003. Disease mechanism: gain of function.
Hereditary cancer-predisposing syndrome. Also called: Neoplastic Syndromes, Hereditary; Hereditary neoplastic syndrome; Hereditary Cancer Syndrome; Tumor predisposition. Identifiers: Orphanet 140162, MedGen C0027672, MeSH D009386, MONDO:0015356.
Multiple endocrine neoplasia type 2A. Also called: Multiple Endocrine Neoplasia Type 2A (MEN2A); MULTIPLE ENDOCRINE NEOPLASIA, TYPE IIA; PTC SYNDROME; SIPPLE SYNDROME; MEN 2A; MEN-2A syndrome. Identifiers: Orphanet 247698, Orphanet 653, MedGen C0025268, MeSH D018813, MONDO:0008234, OMIM 171400.

Allele frequency attached by ClinVar (database versions not stated): TOPMed 0.00001; ExAC 0.00002.
gnomAD v4.1: 9 of 1,601,552 alleles (0.00056%); highest among the groups gnomAD compares: South Asian, 0.0011%; no homozygotes.

Submissions (4):

Ambry Genetics
Classification: Likely benign for Hereditary cancer-predisposing syndrome. Last evaluated: 2026-07-08. Review status: criteria provided, single submitter. Criteria: Ambry Variant Classification Scheme 2023. Collection method: clinical testing. Allele origin: germline.

Labcorp Genetics (formerly Invitae), Labcorp
Classification: Uncertain significance for Multiple endocrine neoplasia, type 2. Last evaluated: 2026-01-28. Review status: criteria provided, single submitter. Criteria: Invitae Variant Classification Sherloc (09022015). Collection method: clinical testing. Allele origin: germline.
Comment: This sequence change replaces leucine, which is neutral and non-polar, with valine, which is neutral and non-polar, at codon 517 of the RET protein (p.Leu517Val). The frequency data for this variant in the population databases is considered unreliable, as metrics indicate poor data quality at this position in the gnomAD database. This variant has not been reported in the literature in individuals affected with RET-related conditions. ClinVar contains an entry for this variant (Variation ID: 486307). An algorithm developed to predict the effect of missense changes on protein structure and function (PolyPhen-2) suggests that this variant is likely to be tolerated. In summary, the available evidence is currently insufficient to determine the role of this variant in disease. Therefore, it has been classified as a Variant of Uncertain Significance.

Color Diagnostics, LLC DBA Color Health
Classification: Uncertain significance for Multiple endocrine neoplasia, type 2. Last evaluated: 2024-03-06. Review status: criteria provided, single submitter. Criteria: ACMG Guidelines, 2015. Collection method: clinical testing. Allele origin: germline.
Comment: This missense variant replaces leucine with valine at codon 517 of the RET protein. Computational prediction suggests that this variant may not impact protein structure and function. To our knowledge, functional studies have not been reported for this variant. This variant has not been reported in individuals affected with RET-related disorders in the literature. This variant has not been identified in the general population by the Genome Aggregation Database (gnomAD). The available evidence is insufficient to determine the role of this variant in disease conclusively. Therefore, this variant is classified as a Variant of Uncertain Significance.

St. Jude Molecular Pathology, St. Jude Children's Research Hospital
Classification: Uncertain significance for Multiple endocrine neoplasia type 2A. Last evaluated: 2022-10-05. Review status: criteria provided, single submitter. Criteria: St. Jude Assertion Criteria 2020. Collection method: clinical testing. Allele origin: germline.
Comment: The RET c.1549C>G (p.Leu517Val) missense change has a maximum subpopulation frequency of 0.099% in gnomAD v2.1.1. The in silico tool REVEL predicts a benign effect on protein function, but to our knowledge this prediction has not been confirmed by functional studies. To our knowledge, this variant has not been reported in the literature in individuals with multiple endocrine neoplasia type 2. In summary, the evidence currently available is insufficient to determine the clinical significance of this variant. It has therefore been classified as of uncertain significance.